The following is an entry in ClinVar:

NM_015267.4(CUX2):c.329G>A (p.Arg110His)

Gene: CUX2 (cut like homeobox 2; plus strand). Cytogenetic location: 12q24.11.
Variant type: single nucleotide variant.
Coding change: c.329G>A on transcript NM_015267.4 (MANE Select); coding-DNA position 329, G replaced by A.
Protein change: p.Arg110His; replaces arginine 110 with histidine.
Molecular consequence: missense variant.
Genome position (GRCh38, 1-based): chr12:111,291,445, G>A. VCF-style: chr12-111291445-G-A. GRCh37 (hg19) VCF-style: chr12-111729249-G-A.
Other names: c.143G>A, p.Arg48His (NM_001370598.1); c.329G>A (NM_015267.3); short protein forms R110H, R48H.
Identifiers: ClinVar variation 3770539 (VCV003770539.13).

ClinVar aggregate classification (germline): Conflicting classifications of pathogenicity. Review status: criteria provided, conflicting classifications (1 of 4 stars). 2 submissions from 2 submitters: Uncertain significance (1); Likely benign (1). Last evaluated 2025-05-20.

Conditions:
Inborn genetic diseases. Identifiers: MedGen C0950123, MeSH D030342.

gnomAD v4.1: 60 of 1,611,476 alleles (0.0037%); highest among the groups gnomAD compares: Non-Finnish European, 0.0045%; no homozygotes.

Submissions (2):

Ambry Genetics
Classification: Uncertain significance for Inborn genetic diseases. Last evaluated: 2025-05-20. Review status: criteria provided, single submitter. Criteria: Ambry Variant Classification Scheme 2023. Collection method: clinical testing. Allele origin: germline.

CeGaT Center for Human Genetics Tuebingen
Classification: Likely benign. Last evaluated: 2024-12-01. Review status: criteria provided, single submitter. Criteria: CeGaT Center For Human Genetics Tuebingen Variant Classification Criteria Version 2. Collection method: clinical testing. Allele origin: germline. Affected: yes. Observed: 1 variant allele.
Comment: CUX2: BP4